The following is an entry in ClinVar:

NM_144599.5(NIPA1):c.798C>T (p.Val266=)

Gene: NIPA1 (NIPA magnesium transporter 1; plus strand). Cytogenetic location: 15q11.2.
Variant type: single nucleotide variant.
Coding change: c.798C>T on transcript NM_144599.5 (MANE Select); coding-DNA position 798, C replaced by T.
Protein change: p.Val266=; no amino-acid change (valine 266 retained).
Molecular consequence: synonymous variant.
Genome position (GRCh38, 1-based): chr15:22,824,047, C>T. VCF-style: chr15-22824047-C-T. GRCh37 (hg19) VCF-style: chr15-23049021-G-A.
Other names: c.573C>T, p.Val191= (NM_001142275.1).
Identifiers: ClinVar variation 515029 (VCV000515029.9), dbSNP rs1008907564, ClinGen allele CA267606531.

ClinVar aggregate classification (germline): Conflicting classifications of pathogenicity. Review status: criteria provided, conflicting classifications (1 of 4 stars). 4 submissions from 4 submitters: Uncertain significance (1); Likely benign (3). Last evaluated 2025-03-10.

Conditions:
Hereditary spastic paraplegia. Also called: Familial spastic paraparesis. Identifiers: Orphanet 685, MedGen C0037773, MONDO:0019064. Disease mechanism: loss of function.
Hereditary spastic paraplegia 6 (SPG6). Also called: SPASTIC PARAPLEGIA 6, AUTOSOMAL DOMINANT. Identifiers: Orphanet 100988, MedGen C1838192, MONDO:0010878, OMIM 600363.

Allele frequency attached by ClinVar (database versions not stated): gnomAD 0.00001; gnomAD exomes 0.00001; TOPMed 0.00002.
gnomAD v4.1: 41 of 1,613,968 alleles (0.0025%); highest among the groups gnomAD compares: Admixed American, 0.005%; no homozygotes.

Submissions (4):

Labcorp Genetics (formerly Invitae), Labcorp
Classification: Likely benign for Hereditary spastic paraplegia 6. Last evaluated: 2025-03-10. Review status: criteria provided, single submitter. Criteria: Invitae Variant Classification Sherloc (09022015). Collection method: clinical testing. Allele origin: germline.

Blueprint Genetics
Classification: Likely benign. Last evaluated: 2022-08-16. Review status: criteria provided, single submitter. Criteria: ACMG Guidelines, 2015. Collection method: clinical testing. Allele origin: germline.

GeneDx
Classification: Likely benign. Last evaluated: 2018-01-31. Review status: criteria provided, single submitter. Criteria: GeneDx Variant Classification (06012015). Collection method: clinical testing. Allele origin: germline. Affected: yes.
Comment: This variant is considered likely benign or benign based on one or more of the following criteria: it is a conservative change, it occurs at a poorly conserved position in the protein, it is predicted to be benign by multiple in silico algorithms, and/or has population frequency not consistent with disease.

Genome Diagnostics Laboratory, The Hospital for Sick Children
Classification: Uncertain significance for Hereditary spastic paraplegia. Last evaluated: 2016-12-12. Review status: criteria provided, single submitter. Criteria: ACMG Guidelines, 2015. Collection method: clinical testing. Allele origin: germline. Affected: yes.